The following is an entry in ClinVar:

NM_000363.5(TNNI3):c.143A>C (p.Gln48Pro)

Gene: TNNI3 (troponin I3, cardiac type; minus strand). Cytogenetic location: 19q13.42.
Variant type: single nucleotide variant.
Coding change: c.143A>C on transcript NM_000363.5 (MANE Select); coding-DNA position 143, A replaced by C.
Protein change: p.Gln48Pro; replaces glutamine 48 with proline.
Molecular consequence: missense variant.
Genome position (GRCh38, 1-based): chr19:55,156,610, T>G on the plus strand (A>C on the coding strand, the complement: TNNI3 is on the minus strand). VCF-style: chr19-55156610-T-G. GRCh37 (hg19) VCF-style: chr19-55667978-T-G.
Other names: c.143A>C (LRG_432t1); short protein forms Q48P.
Identifiers: ClinVar variation 264596 (VCV000264596.24), dbSNP rs200720341, ClinGen allele CA050324.

ClinVar aggregate classification (germline): Uncertain significance. Review status: criteria provided, multiple submitters, no conflicts (2 of 4 stars). 9 submissions from 9 submitters: Uncertain significance (8). 1 of the submissions does not count toward it. Last evaluated 2026-01-09.

Conditions:
TNNI3-related disorder. Also called: TNNI3-related disorders; TNNI3-related condition.
Cardiovascular phenotype. Identifiers: MedGen CN230736.
Cardiomyopathy (CMYO). Also called: Cardiomyopathies. Identifiers: Orphanet 167848, MedGen C0878544, MONDO:0004994, HP:0001638. Inheritance: Various modes of inheritance.
Dilated cardiomyopathy 2A (CMD2A). Also called: CARDIOMYOPATHY, CONGESTIVE, AUTOSOMAL RECESSIVE; CARDIOMYOPATHY, DILATED, AUTOSOMAL RECESSIVE. Identifiers: Orphanet 154, MedGen C2678474, MONDO:0012746, OMIM 611880.
Hypertrophic cardiomyopathy. Also called: HYPERTROPHIC MYOCARDIOPATHY. Identifiers: Orphanet 217569, MedGen C0007194, MeSH D002312, MONDO:0005045, HP:0001639.

Allele frequency attached by ClinVar (database versions not stated): gnomAD exomes 0.00001 and 0.00002; ExAC 0.00013.
gnomAD v4.1: 19 of 1,564,154 alleles (0.0012%); highest among the groups gnomAD compares: South Asian, 0.022%; no homozygotes.

Submissions (9):

Labcorp Genetics (formerly Invitae), Labcorp
Classification: Uncertain significance for Hypertrophic cardiomyopathy. Last evaluated: 2026-01-09. Review status: criteria provided, single submitter. Criteria: Invitae Variant Classification Sherloc (09022015). Collection method: clinical testing. Allele origin: germline.
Comment: This sequence change replaces glutamine, which is neutral and polar, with proline, which is neutral and non-polar, at codon 48 of the TNNI3 protein (p.Gln48Pro). This variant is present in population databases (rs200720341, gnomAD 0.02%). This variant has not been reported in the literature in individuals affected with TNNI3-related conditions. ClinVar contains an entry for this variant (Variation ID: 264596). An algorithm developed to predict the effect of missense changes on protein structure and function (PolyPhen-2) suggests that this variant is likely to be disruptive. In summary, the available evidence is currently insufficient to determine the role of this variant in disease. Therefore, it has been classified as a Variant of Uncertain Significance.

GeneDx
Classification: Uncertain significance. Last evaluated: 2025-08-14. Review status: criteria provided, single submitter. Criteria: GeneDx Variant Classification Process June 2021. Collection method: clinical testing. Allele origin: germline. Affected: yes.
Comment: Has not been previously published as pathogenic or benign to our knowledge; Not observed at significant frequency in large population cohorts (gnomAD); In silico analysis suggests that this missense variant does not alter protein structure/function

PreventionGenetics, part of Exact Sciences
Classification: Uncertain significance for TNNI3-related condition. Last evaluated: 2025-05-05. Review status: criteria provided, single submitter. Criteria: ACMG Guidelines, 2015. Collection method: clinical testing. Allele origin: germline.
Comment: The TNNI3 c.143A>C variant is predicted to result in the amino acid substitution p.Gln48Pro. To our knowledge, this variant has not been reported in the literature. This variant is reported in 0.017% of alleles in individuals of South Asian descent in gnomAD. At this time, the clinical significance of this variant is uncertain due to the absence of conclusive functional and genetic evidence.

All of Us Research Program, National Institutes of Health
Classification: Uncertain significance for Hypertrophic cardiomyopathy. Last evaluated: 2024-07-20. Review status: criteria provided, single submitter. Criteria: ACMG Guidelines, 2015. Collection method: clinical testing. Allele origin: germline. Inheritance: Autosomal dominant inheritance. Observed: 1 variant allele, 1 heterozygote.
Comment: This missense variant replaces glutamine with proline at codon 48 of the TNNI3 protein. Computational prediction suggests that this variant may have deleterious impact on protein structure and function (internally defined REVEL score threshold >= 0.7, PMID: 27666373). To our knowledge, functional studies have not been reported for this variant. This variant has not been reported in individuals affected with TNNI3-related disorders in the literature. This variant has been identified in 4/175402 chromosomes in the general population by the Genome Aggregation Database (gnomAD). The available evidence is insufficient to determine the role of this variant in disease conclusively. Therefore, this variant is classified as a Variant of Uncertain Significance.

This study involves interpretation of variants in research participants for the purpose of population health screening. Participant phenotype was not available at the time of variant classification. Additional details can be found in publication PMID: 35346344, PMCID: PMC8962531

Color Diagnostics, LLC DBA Color Health
Classification: Uncertain significance for Cardiomyopathy. Last evaluated: 2024-05-13. Review status: criteria provided, single submitter. Criteria: ACMG Guidelines, 2015. Collection method: clinical testing. Allele origin: germline.
Comment: This missense variant replaces glutamine with proline at codon 48 of the TNNI3 protein. Computational prediction suggests that this variant may have deleterious impact on protein structure and function (internally defined REVEL score threshold >= 0.7, PMID: 27666373). To our knowledge, functional studies have not been reported for this variant. This variant has not been reported in individuals affected with TNNI3-related disorders in the literature. This variant has been identified in 4/175402 chromosomes in the general population by the Genome Aggregation Database (gnomAD). The available evidence is insufficient to determine the role of this variant in disease conclusively. Therefore, this variant is classified as a Variant of Uncertain Significance.

Ambry Genetics
Classification: Uncertain significance for Cardiovascular phenotype. Last evaluated: 2022-02-09. Review status: criteria provided, single submitter. Criteria: Ambry Variant Classification Scheme 2023. Collection method: clinical testing. Allele origin: germline.
Comment: The p.Q48P variant (also known as c.143A>C), located in coding exon 4 of the TNNI3 gene, results from an A to C substitution at nucleotide position 143. The glutamine at codon 48 is replaced by proline, an amino acid with similar properties. This amino acid position is well conserved in available vertebrate species. In addition, the in silico prediction for this alteration is inconclusive. Since supporting evidence is limited at this time, the clinical significance of this alteration remains unclear.

Blueprint Genetics
Classification: Uncertain significance. Last evaluated: 2020-11-13. Review status: criteria provided, single submitter. Criteria: ACMG Guidelines, 2015. Collection method: clinical testing. Allele origin: germline.

CHEO Genetics Diagnostic Laboratory, Children's Hospital of Eastern Ontario
Classification: Uncertain significance for Cardiomyopathy. Last evaluated: 2019-12-27. Review status: criteria provided, single submitter. Criteria: ACMG Guidelines, 2015. Collection method: clinical testing. Allele origin: germline.

Foundation for Research in Genetics and Endocrinology, FRIGE's Institute of Human Genetics
Classification: Uncertain significance for Dilated cardiomyopathy 2A. Last evaluated: 2018-06-06. Review status: no assertion criteria provided. Collection method: clinical testing. Allele origin: germline. Inheritance: Autosomal recessive inheritance. Affected: no. Observed: 2 variant alleles, 2 heterozygotes. Not counted in ClinVar's aggregate classification.
Comment: The observed variant c.143A>C (p.Gln48Pro) is not reported in 1000 Genomes and its minor allele frequency in ExAC databases is 0.0001253. The in silico prediction of the variant is disease causing by MutationTaster2, Tolerated by SIFT and possibly damaging by PolyPhen2.